The following is an entry in ClinVar:

NM_001903.5(CTNNA1):c.469-19G>T

Gene: CTNNA1 (catenin alpha 1; plus strand). Cytogenetic location: 5q31.2.
Variant type: single nucleotide variant.
Coding change: c.469-19G>T on transcript NM_001903.5 (MANE Select); 19 bases into the intron before coding-DNA position 469, G replaced by T.
Molecular consequence: intron variant.
Genome position (GRCh38, 1-based): chr5:138,812,164, G>T. VCF-style: chr5-138812164-G-T. GRCh37 (hg19) VCF-style: chr5-138147853-G-T.
Other names: c.469-19G>T (NM_001323982.2, NM_001323984.2, NM_001290307.3 and 3 more transcripts); c.100-19G>T (NM_001290310.3); c.160-19G>T (NM_001290309.3).
Identifiers: ClinVar variation 1549937 (VCV001549937.9), dbSNP rs749020625, ClinGen allele CA3431459.

ClinVar aggregate classification (germline): Likely benign. Review status: criteria provided, multiple submitters, no conflicts (2 of 4 stars). 2 submissions from 2 submitters: Likely benign (2). Last evaluated 2025-04-01.

Conditions:
Hereditary diffuse gastric adenocarcinoma (HDGC). Also called: DIFFUSE GASTRIC AND LOBULAR BREAST CANCER SYNDROME. Identifiers: Orphanet 26106, MedGen C1708349, MONDO:0007648, OMIM 137215.

Allele frequency attached by ClinVar (database versions not stated): TOPMed below 0.00001; gnomAD 0.00001.
gnomAD v4.1: 3 of 1,606,650 alleles (0.00019%); highest among the groups gnomAD compares: Admixed American, 0.0051%; no homozygotes.

Submissions (2):

Labcorp Genetics (formerly Invitae), Labcorp
Classification: Likely benign. Last evaluated: 2025-04-01. Review status: criteria provided, single submitter. Criteria: Invitae Variant Classification Sherloc (09022015). Collection method: clinical testing. Allele origin: germline.

Myriad Genetics, Inc.
Classification: Likely benign for Hereditary diffuse gastric adenocarcinoma. Last evaluated: 2024-10-09. Review status: criteria provided, single submitter. Criteria: Myriad Autosomal Dominant, Autosomal Recessive and X-Linked Classification Criteria (2023). Collection method: clinical testing. Allele origin: unknown.
Comment: This variant is considered likely benign. This variant is intronic and is not expected to impact mRNA splicing.